The following is an entry in ClinVar:

ClinVar aggregate classification (germline): Uncertain significance (1 of 4 stars; one submission).

Conditions:
Acrocallosal syndrome (ACLS). Also called: HALLUX DUPLICATION, POSTAXIAL POLYDACTYLY, AND ABSENCE OF CORPUS CALLOSUM; Schinzel syndrome 1; Absence of corpus callosum with unusual facial appearance, mental deficiency, duplication of the halluces and polydactyly. Identifiers: Orphanet 36, MedGen C0796147, MONDO:0008708, OMIM 200990.

Allele frequency attached by ClinVar (database versions not stated): gnomAD 0.00001 and 0.00003; TOPMed 0.00001; gnomAD exomes 0.00003; ExAC 0.00004.
gnomAD v4.1: 48 of 1,608,424 alleles (0.003%); highest among the groups gnomAD compares: South Asian, 0.013%; no homozygotes.

Submission:

Labcorp Genetics (formerly Invitae), Labcorp
Classification: Uncertain significance for Acrocallosal syndrome. Last evaluated: 2022-11-03. Review status: criteria provided, single submitter. Criteria: Invitae Variant Classification Sherloc (09022015). Collection method: clinical testing. Allele origin: germline.
Comment: This sequence change replaces arginine, which is basic and polar, with histidine, which is basic and polar, at codon 851 of the KIF7 protein (p.Arg851His). This variant is present in population databases (rs750613716, gnomAD 0.01%). This variant has not been reported in the literature in individuals affected with KIF7-related conditions. ClinVar contains an entry for this variant (Variation ID: 1365490). Algorithms developed to predict the effect of missense changes on protein structure and function (SIFT, PolyPhen-2, Align-GVGD) all suggest that this variant is likely to be disruptive. In summary, the available evidence is currently insufficient to determine the role of this variant in disease. Therefore, it has been classified as a Variant of Uncertain Significance.

NM_198525.3(KIF7):c.2552G>A (p.Arg851His)

Gene: KIF7 (kinesin family member 7; minus strand). Cytogenetic location: 15q26.1.
Variant type: single nucleotide variant.
Coding change: c.2552G>A on transcript NM_198525.3 (MANE Select); coding-DNA position 2552, G replaced by A.
Protein change: p.Arg851His; replaces arginine 851 with histidine.
Molecular consequence: missense variant.
Genome position (GRCh38, 1-based): chr15:89,633,726, C>T on the plus strand (G>A on the coding strand, the complement: KIF7 is on the minus strand). VCF-style: chr15-89633726-C-T. GRCh37 (hg19) VCF-style: chr15-90176957-C-T.
Other names: short protein forms R851H.
Identifiers: ClinVar variation 1365490 (VCV001365490.3), dbSNP rs750613716, ClinGen allele CA7728101.
Genomic context (GRCh38, chr15:89,633,726, plus strand): 5'-CACCCTGCCGTGAGCCTGACCTTGACGCGGTGCTGCCGCTTGCTCATTTCTGCCTCCAGG[C>T]GCCGCTTCTGCTCCGTCTCCTCGCGAAGCCGCCTCTGCAGCTGTCCCTGCTGCTGCCGCA-3'
Protein context (NP_940927.2, residues 841-861): RLREETEQKR[Arg851His]LEAEMSKRQH